The following is an entry in ClinVar:

ClinVar aggregate classification (germline): Conflicting classifications of pathogenicity. Review status: criteria provided, conflicting classifications (1 of 4 stars). 6 submissions from 6 submitters: Uncertain significance (2); Likely benign (3). 1 of the submissions does not count toward it. Last evaluated 2026-04-01.

Conditions:
KIF1B-related disorder. Also called: KIF1B-related condition.
Neuroblastoma, susceptibility to, 1. Identifiers: MedGen C2749485, MONDO:0009741, OMIM 256700.

Allele frequency attached by ClinVar (database versions not stated): ESP Exome Variant Server 0.00008; gnomAD exomes 0.00027 and 0.00029; ExAC 0.00030; TOPMed 0.00049.
gnomAD v4.1: 459 of 1,614,084 alleles (0.028%); highest among the groups gnomAD compares: Admixed American, 0.038%; 1 homozygote.

Submissions (6):

CeGaT Center for Human Genetics Tuebingen
Classification: Likely benign. Last evaluated: 2026-04-01. Review status: criteria provided, single submitter. Criteria: CeGaT Center For Human Genetics Tuebingen Variant Classification Criteria Version 2. Collection method: clinical testing. Allele origin: germline. Affected: yes. Observed: 1 variant allele.
Comment: KIF1B: PP3, BS2

Women's Health and Genetics/Laboratory Corporation of America, LabCorp
Classification: Likely benign. Last evaluated: 2024-12-09. Review status: criteria provided, single submitter. Criteria: LabCorp Variant Classification Summary - May 2015. Collection method: clinical testing. Allele origin: germline.
Comment: Variant summary: KIF1B c.1977+7081C>T is located at a position not widely known to affect splicing. Consensus agreement among computation tools predict no significant impact on normal splicing. However, these predictions have yet to be confirmed by functional studies. In a different transcript this variant corresponds to a missense change (NM_183416.4: c.3142C>T (p.Arg1048Cys)). Three of three in-silico tools predict a damaging effect of the variant on protein function. The variant allele was found at a frequency of 0.00028 in 1614084 control chromosomes in the gnomAD database, including 1 homozygote. To our knowledge, no occurrence of c.1977+7081C>T in individuals affected with KIF1B-Related Disorders and no experimental evidence demonstrating its impact on protein function have been reported. ClinVar contains an entry for this variant (Variation ID: 1331070). Based on the evidence outlined above, the variant was classified as likely benign.

Blueprint Genetics
Classification: Likely benign. Last evaluated: 2024-11-07. Review status: criteria provided, single submitter. Criteria: ACMG Guidelines, 2015. Collection method: clinical testing. Allele origin: germline.

ARUP Laboratories, Molecular Genetics and Genomics, ARUP Laboratories
Classification: Uncertain significance. Last evaluated: 2024-07-12. Review status: criteria provided, single submitter. Criteria: ARUP Molecular Germline Variant Investigation Process 2024. Collection method: clinical testing. Allele origin: germline.
Comment: The KIF1B c.3142C>T; p.Arg1048Cys variant (rs376558549, also known as c.1977+7081C>T in NM_015074.3), to our knowledge, is not reported in the medical literature but is reported in ClinVar (Variation ID: 1331070). This variant is found in an alternate transcript of KIF1B that is highly expressed in skeletal muscle (Genotype-Tissue Expression project). To date, four variants in this alternate transcript have been reported in individuals with Charcot-Marie-Tooth disease or hereditary motor neuropathy (Bacquet 2018, DaRe 2013, Drew 2015). This variant is found in the general population with an overall allele frequency of 0.027% (76/282458 alleles) in the Genome Aggregation Database (v2.1.1). The arginine at codon 1048 is weakly conserved, and computational analyses are uncertain whether this variant is neutral or deleterious (REVEL: 0.299). Due to limited information, the clinical significance of the p.Arg1048Cys variant is uncertain at this time. References: Link to GTEx for KIF1B: Bacquet J et al. Molecular diagnosis of inherited peripheral neuropathies by targeted next-generation sequencing: molecular spectrum delineation. BMJ Open. 2018 Oct 28;8(10):e021632. PMID: 30373780. DaRe JT et al. Targeted exome sequencing for mitochondrial disorders reveals high genetic heterogeneity. BMC Med Genet. 2013 Nov 11;14:118. PMID: 24215330. Drew AP et al. Improved inherited peripheral neuropathy genetic diagnosis by whole-exome sequencing. Mol Genet Genomic Med. 2015 Mar;3(2):143-54. PMID: 25802885.

St. Jude Molecular Pathology, St. Jude Children's Research Hospital
Classification: Uncertain significance for Neuroblastoma, susceptibility to, 1. Last evaluated: 2024-05-16. Review status: criteria provided, single submitter. Criteria: St. Jude Assertion Criteria 2020. Collection method: clinical testing. Allele origin: germline.
Comment: The KIF1B c.3142C>T (p.Arg1048Cys) missense change has a maximum subpopulation frequency of 0.05% in gnomAD v2.1.1. The in silico tool REVEL is inconclusive about a pathogenic or benign effect of this variant on protein function, and functional studies have not been performed. This variant has not been reported in individuals with pheochromocytoma or neuroblastoma. In summary, the evidence currently available is insufficient to determine the clinical significance of this variant. It has therefore been classified as of uncertain significance.

PreventionGenetics, part of Exact Sciences
Classification: Likely benign for KIF1B-related condition. Last evaluated: 2024-08-05. Review status: no assertion criteria provided. Collection method: clinical testing. Allele origin: germline. Not counted in ClinVar's aggregate classification.
Comment: This variant is classified as likely benign based on ACMG/AMP sequence variant interpretation guidelines (Richards et al. 2015 PMID: 25741868, with internal and published modifications).

NM_001365951.3(KIF1B):c.2115+7081C>T

Gene: KIF1B (kinesin family member 1B; plus strand). Cytogenetic location: 1p36.22.
Variant type: single nucleotide variant.
Coding change: c.2115+7081C>T on transcript NM_001365951.3 (MANE Select); 7081 bases into the intron after coding-DNA position 2115, C replaced by T.
Molecular consequence: intron variant. On other transcripts: missense variant (2).
Genome position (GRCh38, 1-based): chr1:10,304,327, C>T. VCF-style: chr1-10304327-C-T. GRCh37 (hg19) VCF-style: chr1-10364385-C-T.
Other names: c.3142C>T, p.Arg1048Cys (NM_001365953.1, NM_183416.4); c.1977+7081C>T (NM_015074.3); c.2115+7081C>T (NM_001365952.1); c.3142C>T (NM_183416.3); short protein forms R1048C.
Identifiers: ClinVar variation 1331070 (VCV001331070.15), dbSNP rs376558549, ClinGen allele CA581375.